The following is an entry in ClinVar:

NM_006766.5(KAT6A):c.1129T>A (p.Ser377Thr)

Gene: KAT6A (lysine acetyltransferase 6A; minus strand). Cytogenetic location: 8p11.21.
Variant type: single nucleotide variant.
Coding change: c.1129T>A on transcript NM_006766.5 (MANE Select); coding-DNA position 1129, T replaced by A.
Protein change: p.Ser377Thr; replaces serine 377 with threonine.
Molecular consequence: missense variant.
Genome position (GRCh38, 1-based): chr8:41,977,242, A>T on the plus strand (T>A on the coding strand, the complement: KAT6A is on the minus strand). VCF-style: chr8-41977242-A-T. GRCh37 (hg19) VCF-style: chr8-41834760-A-T.
Other names: c.1129T>A, p.Ser377Thr (NM_001305878.2); short protein forms S377T.
Identifiers: ClinVar variation 4802963 (VCV004802963.1).

ClinVar aggregate classification (germline): Uncertain significance (1 of 4 stars; one submission).

Submission:

Labcorp Genetics (formerly Invitae), Labcorp
Classification: Uncertain significance. Last evaluated: 2025-09-11. Review status: criteria provided, single submitter. Criteria: Invitae Variant Classification Sherloc (09022015). Collection method: clinical testing. Allele origin: germline.
Comment: This sequence change replaces serine, which is neutral and polar, with threonine, which is neutral and polar, at codon 377 of the KAT6A protein (p.Ser377Thr). This variant is not present in population databases (gnomAD no frequency). This variant has not been reported in the literature in individuals affected with KAT6A-related conditions. Invitae Evidence Modeling of protein sequence and biophysical properties (such as structural, functional, and spatial information, amino acid conservation, physicochemical variation, residue mobility, and thermodynamic stability) indicates that this missense variant is not expected to disrupt KAT6A protein function with a negative predictive value of 95%. In summary, the available evidence is currently insufficient to determine the role of this variant in disease. Therefore, it has been classified as a Variant of Uncertain Significance.